The following is an entry in ClinVar:

ClinVar aggregate classification (germline): Pathogenic. Review status: reviewed by expert panel (3 of 4 stars). 8 submissions from 8 submitters: Pathogenic (1). 7 of the submissions do not count toward it. Last evaluated 2016-09-08.

Conditions:
Familial cancer of breast. Also called: hereditary breast carcinoma; BREAST CANCER, FAMILIAL; Hereditary breast cancer. Identifiers: Orphanet 227535, MedGen C0346153, MONDO:0016419, OMIM 114480. Disease mechanism: loss of function.
Breast-ovarian cancer, familial, susceptibility to, 2 (BROVCA2). Also called: BRCA2 Hereditary Breast and Ovarian Cancer. Identifiers: Orphanet 145, MedGen C2675520, MONDO:0012933, OMIM 612555. Disease mechanism: loss of function.
Wilms tumor 1 (WT1). Also called: Wilms tumor, somatic. Identifiers: Orphanet 654, MedGen CN033288, MONDO:0008679, OMIM 194070.
Pancreatic cancer, susceptibility to, 2. Identifiers: Orphanet 1333, MedGen C3150546, MONDO:0013235, OMIM 613347.
Glioma susceptibility 3 (GLM3). Also called: Glioblastoma 3. Identifiers: Orphanet 182067, Orphanet 360, MedGen C2751641, MONDO:0013093, OMIM 613029.
Familial prostate cancer. Also called: Hereditary Prostate Cancer. Identifiers: MedGen C2931456, MONDO:0700275, OMIM 176807.
Fanconi anemia complementation group D1. Also called: BRCA2-Related Fanconi Anemia. Identifiers: Orphanet 319462, MedGen C1838457, MONDO:0011584, OMIM 605724.
Medulloblastoma (MDB). Also called: Medulloblastoma, somatic; MEDULLOBLASTOMA PREDISPOSITION SYNDROME. Identifiers: Orphanet 616, MedGen C0025149, MeSH D008527, MONDO:0007959, OMIM 155255, HP:0002885.
Hereditary cancer-predisposing syndrome. Also called: Neoplastic Syndromes, Hereditary; Tumor predisposition; Hereditary neoplastic syndrome; Hereditary Cancer Syndrome. Identifiers: Orphanet 140162, MedGen C0027672, MeSH D009386, MONDO:0015356.
Hereditary breast ovarian cancer syndrome. Also called: Hereditary breast and ovarian cancer syndrome; Hereditary breast and ovarian cancer syndrome (HBOC); Breast and ovarian cancer; BRCA1- and BRCA2-Associated Hereditary Breast and Ovarian Cancer; Hereditary breast and/or ovarian cancer syndrome; Hereditary breast and ovarian cancer. Identifiers: Orphanet 145, MedGen C0677776, MeSH D061325, MONDO:0003582. Disease mechanism: loss of function.

Submissions (8):

Evidence-based Network for the Interpretation of Germline Mutant Alleles (ENIGMA)
Classification: Pathogenic for Breast-ovarian cancer, familial, susceptibility to, 2. Last evaluated: 2016-09-08. Review status: reviewed by expert panel. Criteria: ENIGMA BRCA1/2 Classification Criteria (2015). Collection method: curation. Allele origin: germline.
Comment: Variant allele predicted to encode a truncated non-functional protein.

Labcorp Genetics (formerly Invitae), Labcorp
Classification: Pathogenic for Hereditary breast ovarian cancer syndrome. Last evaluated: 2025-04-21. Review status: criteria provided, single submitter. Criteria: Invitae Variant Classification Sherloc (09022015). Collection method: clinical testing. Allele origin: germline. Not counted in ClinVar's aggregate classification.
Comment: This sequence change creates a premature translational stop signal (p.Gln969*) in the BRCA2 gene. It is expected to result in an absent or disrupted protein product. Loss-of-function variants in BRCA2 are known to be pathogenic (PMID: 20104584). This variant is not present in population databases (gnomAD no frequency). This variant has not been reported in the literature in individuals affected with BRCA2-related conditions. ClinVar contains an entry for this variant (Variation ID: 254509). For these reasons, this variant has been classified as Pathogenic.

Ambry Genetics
Classification: Pathogenic for Hereditary cancer-predisposing syndrome. Last evaluated: 2024-11-21. Review status: criteria provided, single submitter. Criteria: Ambry Variant Classification Scheme 2023. Collection method: clinical testing. Allele origin: germline. Not counted in ClinVar's aggregate classification.
Comment: The p.Q969* pathogenic mutation (also known as c.2905C>T), located in coding exon 10 of the BRCA2 gene, results from a C to T substitution at nucleotide position 2905. This changes the amino acid from a glutamine to a stop codon within coding exon 10. This pathogenic mutation has been reported in multiple BRCA1/2 mutation positive individuals (Marchetti C et al. Ann Surg Oncol, 2018 Nov;25:3701-3708; Rebbeck TR et al. Hum Mutat, 2018 05;39:593-620; Concolino P et al. Int J Mol Sci, 2019 Jul;20; Klek S et al. JNCI Cancer Spectr, 2020 Jun;4:pkaa018; Santonocito C et al. Cancers (Basel), 2020 May;12). This variant is considered to be rare based on population cohorts in the Genome Aggregation Database (gnomAD). This alteration is expected to result in loss of function by premature protein truncation or nonsense-mediated mRNA decay. As such, this alteration is interpreted as a disease-causing mutation.

Fulgent Genetics
Classification: Pathogenic for Familial cancer of breast; Medulloblastoma; Familial prostate cancer; Wilms tumor 1; Fanconi anemia complementation group D1; Breast-ovarian cancer, familial, susceptibility to, 2; Glioma susceptibility 3; Pancreatic cancer, susceptibility to, 2. Last evaluated: 2024-06-18. Review status: criteria provided, single submitter. Criteria: ACMG Guidelines, 2015. Collection method: clinical testing. Allele origin: germline. Not counted in ClinVar's aggregate classification.

Color Diagnostics, LLC DBA Color Health
Classification: Pathogenic for Hereditary cancer-predisposing syndrome. Last evaluated: 2022-07-11. Review status: criteria provided, single submitter. Criteria: ACMG Guidelines, 2015. Collection method: clinical testing. Allele origin: germline. Not counted in ClinVar's aggregate classification.
Comment: This variant changes 1 nucleotide in exon 11 of the BRCA2 gene, creating a premature translation stop signal. This variant is expected to result in an absent or non-functional protein product. This variant has been reported in individuals affected with breast, ovarian, or endometrial cancer (PMID: 30128899, 31336956, 32596633). One of these individuals carried a second pathogenic variant in the BRCA2 gene that could explain the observed phenotype (PMID: 31336956). This variant has not been identified in the general population by the Genome Aggregation Database (gnomAD). Loss of BRCA2 function is a known mechanism of disease. Based on the available evidence, this variant is classified as Pathogenic.

Women's Health and Genetics/Laboratory Corporation of America, LabCorp
Classification: Pathogenic for Hereditary breast and ovarian cancer syndrome. Last evaluated: 2017-12-28. Review status: criteria provided, single submitter. Criteria: LabCorp Variant Classification Summary - May 2015. Collection method: clinical testing. Allele origin: germline. Not counted in ClinVar's aggregate classification.
Comment: Variant summary: The c.2905C>T (p.Gln969*) variant in BRCA2 gene is a nonsense change that results in the loss of the ~2450 amino acids of BRCA2 protein (~72%). This change is predicted to cause loss of normal protein function through protein truncation or nonsense-mediated mRNA decay. The variant is absent from control dataset of gnomAD (~244112 chrs). The variant is cited as Pathogenic by reputable databases/clinical laboratories. Taking together, the variant was classified as Pathogenic.

Consortium of Investigators of Modifiers of BRCA1/2 (CIMBA), c/o University of Cambridge
Classification: Pathogenic for Breast-ovarian cancer, familial, susceptibility to, 2. Last evaluated: 2015-10-02. Review status: criteria provided, single submitter. Criteria: CIMBA Mutation Classification guidelines May 2016. Collection method: clinical testing. Allele origin: germline. Not counted in ClinVar's aggregate classification.

Genesis Genomics
Classification: Pathogenic for Breast-ovarian cancer, familial, susceptibility to, 2. Review status: criteria provided, single submitter. Criteria: ACMG Guidelines, 2015. Collection method: clinical testing. Allele origin: germline. Affected: yes. Observed: 1 variant allele. Not counted in ClinVar's aggregate classification.

Literature cited by the submitters: PubMed 20104584 (cited by Labcorp Genetics (formerly Invitae), Labcorp); PubMed 29446198 (cited by Ambry Genetics); PubMed 30128899 (cited by Ambry Genetics and Color Diagnostics, LLC DBA Color Health); PubMed 31336956 (cited by Ambry Genetics and Color Diagnostics, LLC DBA Color Health); PubMed 32438681 (cited by Ambry Genetics); PubMed 32596633 (cited by Ambry Genetics and Color Diagnostics, LLC DBA Color Health); PubMed 28720843 (cited by Women's Health and Genetics/Laboratory Corporation of America, LabCorp).

NM_000059.4(BRCA2):c.2905C>T (p.Gln969Ter)

Gene: BRCA2 (BRCA2 DNA repair associated; plus strand). Cytogenetic location: 13q13.1.
Variant type: single nucleotide variant.
Coding change: c.2905C>T on transcript NM_000059.4 (MANE Select); coding-DNA position 2905, C replaced by T.
Protein change: p.Gln969Ter; replaces glutamine 969 with a stop codon.
Molecular consequence: nonsense.
Genome position (GRCh38, 1-based): chr13:32,337,260, C>T. VCF-style: chr13-32337260-C-T. GRCh37 (hg19) VCF-style: chr13-32911397-C-T.
Other names: short protein forms Q969*.
Identifiers: ClinVar variation 254509 (VCV000254509.19), dbSNP rs886038080, ClinGen allele CA10586506.